The following is an entry in ClinVar:

NM_144573.4(NEXN):c.985G>T (p.Ala329Ser)

Gene: NEXN (nexilin F-actin binding protein; plus strand). Cytogenetic location: 1p31.1.
Variant type: single nucleotide variant.
Coding change: c.985G>T on transcript NM_144573.4 (MANE Select); coding-DNA position 985, G replaced by T.
Protein change: p.Ala329Ser; replaces alanine 329 with serine.
Molecular consequence: missense variant.
Genome position (GRCh38, 1-based): chr1:77,929,436, G>T. VCF-style: chr1-77929436-G-T. GRCh37 (hg19) VCF-style: chr1-78395121-G-T.
Other names: c.793G>T, p.Ala265Ser (NM_001172309.2); short protein forms A265S, A329S.
Identifiers: ClinVar variation 4860831 (VCV004860831.1).

ClinVar aggregate classification (germline): Uncertain significance (1 of 4 stars; one submission).

Conditions:
Cardiovascular phenotype. Identifiers: MedGen CN230736.

gnomAD v4.1: 3 of 1,613,504 alleles (0.00019%); highest among the groups gnomAD compares: African/African-American, 0.0013%; no homozygotes.

Submission:

Ambry Genetics
Classification: Uncertain significance for Cardiovascular phenotype. Last evaluated: 2026-04-23. Review status: criteria provided, single submitter. Criteria: Ambry Variant Classification Scheme 2023. Collection method: clinical testing. Allele origin: germline.
Comment: The p.A329S variant (also known as c.985G>T), located in coding exon 8 of the NEXN gene, results from a G to T substitution at nucleotide position 985. The alanine at codon 329 is replaced by serine, an amino acid with similar properties. This amino acid position is conserved. In addition, this alteration is predicted to be tolerated by in silico analysis. Based on the available evidence, the clinical significance of this variant remains unclear.